The following is an entry in ClinVar:

ClinVar aggregate classification (germline): Conflicting classifications of pathogenicity. Review status: criteria provided, conflicting classifications (1 of 4 stars). 3 submissions from 3 submitters: Uncertain significance (1); Likely benign (1). 1 of the submissions does not count toward it. Last evaluated 2025-12-02.

Conditions:
Marfan syndrome (MFS). Also called: MARFAN SYNDROME, TYPE I; FBN1-Related Marfan Syndrome; Marfan syndrome, classic; Marfan syndrome type 1; Marfan's syndrome. Identifiers: Orphanet 284963, Orphanet 558, MedGen C0024796, MONDO:0007947, OMIM 154700.
Familial thoracic aortic aneurysm and aortic dissection (TAAD). Also called: Thoracic aortic aneurysms and dissections. Identifiers: Orphanet 91387, MedGen C4707243, MONDO:0019625.
FBN1-related disorder. Also called: FBN1-related disorders.

Allele frequency attached by ClinVar (database versions not stated): TOPMed 0.00001.
gnomAD v4.1: 6 of 1,612,210 alleles (0.00037%); highest among the groups gnomAD compares: Non-Finnish European, 0.00051%; no homozygotes.

Submissions (3):

Labcorp Genetics (formerly Invitae), Labcorp
Classification: Likely benign for Marfan syndrome; Familial thoracic aortic aneurysm and aortic dissection. Last evaluated: 2025-12-02. Review status: criteria provided, single submitter. Criteria: Invitae Variant Classification Sherloc (09022015). Collection method: clinical testing. Allele origin: germline.

Blueprint Genetics
Classification: Uncertain significance. Last evaluated: 2020-04-21. Review status: criteria provided, single submitter. Criteria: ACMG Guidelines, 2015. Collection method: clinical testing. Allele origin: germline.

PreventionGenetics, part of Exact Sciences
Classification: Likely benign for FBN1-related condition. Last evaluated: 2023-09-16. Review status: no assertion criteria provided. Collection method: clinical testing. Allele origin: germline. Not counted in ClinVar's aggregate classification.
Comment: This variant is classified as likely benign based on ACMG/AMP sequence variant interpretation guidelines (Richards et al. 2015 PMID: 25741868, with internal and published modifications).

NM_000138.5(FBN1):c.2539+10T>A

Gene: FBN1 (fibrillin 1; minus strand). Cytogenetic location: 15q21.1.
Variant type: single nucleotide variant.
Coding change: c.2539+10T>A on transcript NM_000138.5 (MANE Select); 10 bases into the intron after coding-DNA position 2539, T replaced by A.
Molecular consequence: intron variant.
Genome position (GRCh38, 1-based): chr15:48,495,459, A>T on the plus strand (T>A on the coding strand, the complement: FBN1 is on the minus strand). VCF-style: chr15-48495459-A-T. GRCh37 (hg19) VCF-style: chr15-48787656-A-T.
Identifiers: ClinVar variation 237086 (VCV000237086.12), dbSNP rs878853679, ClinGen allele CA10583249.